The following is an entry in ClinVar:

NM_000540.3(RYR1):c.1090A>G (p.Lys364Glu)

Gene: RYR1 (ryanodine receptor 1; plus strand). Cytogenetic location: 19q13.2.
Variant type: single nucleotide variant.
Coding change: c.1090A>G on transcript NM_000540.3 (MANE Select); coding-DNA position 1090, A replaced by G.
Protein change: p.Lys364Glu; replaces lysine 364 with glutamic acid.
Molecular consequence: missense variant.
Genome position (GRCh38, 1-based): chr19:38,448,781, A>G. VCF-style: chr19-38448781-A-G. GRCh37 (hg19) VCF-style: chr19-38939421-A-G.
Other names: c.1090A>G, p.Lys364Glu (NM_001042723.2); short protein forms K364E.
Identifiers: ClinVar variation 3606991 (VCV003606991.2).
Genomic context (GRCh38, chr19:38,448,781, plus strand): 5'-CTGTGCTTCGTGCAGCATGTGGCCTCAGGACTGTGGCTCACCTATGCTGCTCCAGACCCC[A>G]AGGCCCTGCGGCTCGGCGTGCTCAAGAAGAAGGTGGGTGTAATCCCAGCTACTCAGGAGG-3'
Protein context (NP_000531.2, residues 354-374): LWLTYAAPDP[Lys364Glu]ALRLGVLKKK

ClinVar aggregate classification (germline): Uncertain significance (1 of 4 stars; one submission).

Conditions:
RYR1-related disorder. Also called: RYR1-related condition; RYR1-related disorders. Identifiers: MedGen CN239331.

Submission:

Labcorp Genetics (formerly Invitae), Labcorp
Classification: Uncertain significance for RYR1-related disorder. Last evaluated: 2025-12-29. Review status: criteria provided, single submitter. Criteria: Invitae Variant Classification Sherloc (09022015). Collection method: clinical testing. Allele origin: germline.
Comment: This sequence change replaces lysine, which is basic and polar, with glutamic acid, which is acidic and polar, at codon 364 of the RYR1 protein (p.Lys364Glu). This variant is not present in population databases (gnomAD no frequency). This variant has not been reported in the literature in individuals affected with RYR1-related conditions. ClinVar contains an entry for this variant (Variation ID: 3606991). Invitae Evidence Modeling of protein sequence and biophysical properties (such as structural, functional, and spatial information, amino acid conservation, physicochemical variation, residue mobility, and thermodynamic stability) has been performed for this missense variant. However, the output from this modeling did not meet the statistical confidence thresholds required to predict the impact of this variant on RYR1 protein function. In summary, the available evidence is currently insufficient to determine the role of this variant in disease. Therefore, it has been classified as a Variant of Uncertain Significance.